The following is an entry in ClinVar:

ClinVar aggregate classification (germline): Likely benign. Review status: criteria provided, multiple submitters, no conflicts (2 of 4 stars). 3 submissions from 3 submitters: Likely benign (3). Last evaluated 2026-01-05.

Conditions:
Bardet-Biedl syndrome (BBS). Identifiers: Orphanet 110, MedGen C0752166, MONDO:0015229.
Sarcotubular myopathy (LGMDR8). Also called: Hutterite type of muscular dystrophy; MUSCULAR DYSTROPHY, LIMB-GIRDLE, AUTOSOMAL RECESSIVE 8; Autosomal recessive limb-girdle muscular dystrophy type 2H; Limb-girdle muscular dystrophy, type 2H. Identifiers: Orphanet 1878, MedGen C0270968, MONDO:0009683, OMIM 254110.
Bardet-Biedl syndrome 11 (BBS11). Identifiers: Orphanet 110, MedGen C1859569, MONDO:0014439, OMIM 615988.
TRIM32-related disorder. Also called: TRIM32-related condition.

Allele frequency attached by ClinVar (database versions not stated): gnomAD 0.00001; TOPMed 0.00002.
gnomAD v4.1: 2 of 1,613,974 alleles (0.00012%); highest among the groups gnomAD compares: African/African-American, 0.0027%; no homozygotes.

Submissions (3):

Labcorp Genetics (formerly Invitae), Labcorp
Classification: Likely benign for Bardet-Biedl syndrome. Last evaluated: 2026-01-05. Review status: criteria provided, single submitter. Criteria: Invitae Variant Classification Sherloc (09022015). Collection method: clinical testing. Allele origin: germline.

PreventionGenetics, part of Exact Sciences
Classification: Likely benign for TRIM32-related condition. Last evaluated: 2025-11-05. Review status: criteria provided, single submitter. Criteria: ACMG Guidelines, 2015. Collection method: clinical testing. Allele origin: germline.
Comment: This variant is classified as likely benign based on ACMG/AMP sequence variant interpretation guidelines (Richards et al. 2015 PMID: 25741868, with internal and published modifications).

Fulgent Genetics
Classification: Likely benign for Sarcotubular myopathy; Bardet-Biedl syndrome 11. Last evaluated: 2021-09-27. Review status: criteria provided, single submitter. Criteria: ACMG Guidelines, 2015. Collection method: clinical testing. Allele origin: unknown.

NM_012210.4(TRIM32):c.474A>G (p.Glu158=)

Genes: ASTN2 (astrotactin 2; minus strand), TRIM32 (tripartite motif containing 32; plus strand). Cytogenetic location: 9q33.1.
Variant type: single nucleotide variant.
Coding change: c.474A>G on transcript NM_012210.4 (MANE Select); coding-DNA position 474, A replaced by G.
Protein change: p.Glu158=; no amino-acid change (glutamic acid 158 retained).
Molecular consequence: synonymous variant. On other transcripts: intron variant (3).
Genome position (GRCh38, 1-based): chr9:116,698,216, A>G. VCF-style: chr9-116698216-A-G. GRCh37 (hg19) VCF-style: chr9-119460495-A-G.
Other names: c.474A>G, p.Glu158= (NM_001099679.2, NM_001379048.1, NM_001379049.1 and 1 more transcripts); c.2653+27555T>C (NM_014010.5); c.2794+27555T>C (NM_001365069.1); c.2806+27555T>C (NM_001365068.1).
Identifiers: ClinVar variation 1161357 (VCV001161357.11), dbSNP rs955416816, ClinGen allele CA198769595.